The following is an entry in ClinVar:

NM_004304.5(ALK):c.270_297dup (p.Arg100fs)

Gene: ALK (ALK receptor tyrosine kinase; minus strand). Cytogenetic location: 2p23.1.
Variant type: Duplication.
Coding change: c.270_297dup on transcript NM_004304.5 (MANE Select); coding-DNA positions 270 to 297, 28 bases duplicated (GCTAGCTCTGGACTGCGCCCCGCTGCTC).
Protein change: p.Arg100fs; shifts the reading frame from arginine 100.
Molecular consequence: frameshift variant.
Genome position (GRCh38, 1-based): chr2:29,920,363-29,920,390, GAGCAGCGGGGCGCAGTCCAGAGCTAGC duplicated on the plus strand (GCTAGCTCTGGACTGCGCCCCGCTGCTC on the coding strand, the reverse complement: ALK is on the minus strand); duplicating any 28 consecutive bases within chr2:29,920,363-29,920,394 gives the same sequence; the c. name uses the placement nearest the transcript's 3' end. VCF-style (leftmost placement, unchanged base first): chr2-29920362-T-TGAGCAGCGGGGCGCAGTCCAGAGCTAGC. GRCh37 (hg19) VCF-style: chr2-30143228-T-TGAGCAGCGGGGCGCAGTCCAGAGCTAGC.
Other names: short protein forms R100fs.
Identifiers: ClinVar variation 470801 (VCV000470801.6), dbSNP rs1553380382, ClinGen allele CA658655648.
Genomic context (GRCh38, chr2:29,920,362, plus strand): 5'-CCTCTGCCGGGGCTGGTGAACCGGCGGTCCAGGAGACCCCCGGCGCCGGCCCCAGCAACC[T>TGAGCAGCGGGGCGCAGTCCAGAGCTAGC]GAGCAGCGGGGCGCAGTCCAGAGCTAGCGAGCCGCGGGCCTCGGGCCTGCCAGCCTTCAG-3'

ClinVar aggregate classification (germline): Uncertain significance (1 of 4 stars; one submission).

Conditions:
Neuroblastoma, susceptibility to, 3. Also called: ALK-Related Neuroblastic Tumor Susceptibility. Identifiers: Orphanet 635, MedGen C2751681, MONDO:0013083, OMIM 613014.

Submission:

Labcorp Genetics (formerly Invitae), Labcorp
Classification: Uncertain significance for Neuroblastoma, susceptibility to, 3. Last evaluated: 2017-06-21. Review status: criteria provided, single submitter. Criteria: Invitae Variant Classification Sherloc (09022015). Collection method: clinical testing. Allele origin: germline.
Comment: The current clinical and genetic evidence is not sufficient to establish whether loss-of-function variants in ALK cause disease. This variant has not been reported in the literature in individuals with ALK-related disease. While this variant is not present in population databases, the frequency information is unreliable, as metrics indicate poor data quality at this position in the ExAC database. This sequence change creates a premature translational stop signal (p.Arg100Alafs*135) in the ALK gene. It is expected to result in an absent or disrupted protein product. In summary, the available evidence is currently insufficient to determine the role of this variant in disease. Therefore, it has been classified as a Variant of Uncertain Significance.